The following is an entry in ClinVar:

NM_004281.4(BAG3):c.1298A>G (p.Gln433Arg)

Gene: BAG3 (BAG cochaperone 3; plus strand). Cytogenetic location: 10q26.11.
Variant type: single nucleotide variant.
Coding change: c.1298A>G on transcript NM_004281.4 (MANE Select); coding-DNA position 1298, A replaced by G.
Protein change: p.Gln433Arg; replaces glutamine 433 with arginine.
Molecular consequence: missense variant.
Genome position (GRCh38, 1-based): chr10:119,676,852, A>G. VCF-style: chr10-119676852-A-G. GRCh37 (hg19) VCF-style: chr10-121436364-A-G.
Other names: short protein forms Q433R.
Identifiers: ClinVar variation 298960 (VCV000298960.11), dbSNP rs886046755, ClinGen allele CA10634766.
Genomic context (GRCh38, chr10:119,676,852, plus strand): 5'-CCGAGGCTCCCCCAAAACATCCAGGAGTGCTGAAAGTGGAAGCCATCCTGGAGAAGGTAC[A>G]GGGGCTGGAGCAGGCTGTAGACAACTTTGAAGGCAAGAAGACTGACAAAAAGTACCTGAT-3'
Protein context (NP_004272.2, residues 423-443): LKVEAILEKV[Gln433Arg]GLEQAVDNFE

ClinVar aggregate classification (germline): Uncertain significance. Review status: criteria provided, multiple submitters, no conflicts (2 of 4 stars). 3 submissions from 3 submitters: Uncertain significance (3). Last evaluated 2026-06-23.

Conditions:
Dilated cardiomyopathy 1HH (CMD1HH). Identifiers: Orphanet 154, MedGen C3151293, MONDO:0013479, OMIM 613881.
Myofibrillar myopathy 6. Identifiers: Orphanet 199340, MedGen C2751831, MONDO:0013061, OMIM 612954.
BAG3-related disorder. Also called: BAG3-related condition.
Cardiovascular phenotype. Identifiers: MedGen CN230736.

Allele frequency attached by ClinVar (database versions not stated): gnomAD exomes below 0.00001 and 0.00001; TOPMed 0.00001.
gnomAD v4.1: 14 of 1,614,186 alleles (0.00087%); highest among the groups gnomAD compares: Non-Finnish European, 0.0012%; no homozygotes.

Submissions (3):

Ambry Genetics
Classification: Uncertain significance for Cardiovascular phenotype. Last evaluated: 2026-06-23. Review status: criteria provided, single submitter. Criteria: Ambry Variant Classification Scheme 2023. Collection method: clinical testing. Allele origin: germline.

PreventionGenetics, part of Exact Sciences
Classification: Uncertain significance for BAG3-related condition. Last evaluated: 2026-05-27. Review status: criteria provided, single submitter. Criteria: ACMG Guidelines, 2015. Collection method: clinical testing. Allele origin: germline.
Comment: The BAG3 c.1298A>G variant is predicted to result in the amino acid substitution p.Gln433Arg. To our knowledge, this variant has not been reported in the literature. This variant is reported in 0.00088% of alleles in individuals of European (Non-Finnish) descent in gnomAD. At this time, the clinical significance of this variant is uncertain due to the absence of conclusive functional and genetic evidence.

Labcorp Genetics (formerly Invitae), Labcorp
Classification: Uncertain significance for Dilated cardiomyopathy 1HH; Myofibrillar myopathy 6. Last evaluated: 2025-09-08. Review status: criteria provided, single submitter. Criteria: Invitae Variant Classification Sherloc (09022015). Collection method: clinical testing. Allele origin: germline.
Comment: This sequence change replaces glutamine, which is neutral and polar, with arginine, which is basic and polar, at codon 433 of the BAG3 protein (p.Gln433Arg). This variant is present in population databases (no rsID available, gnomAD 0.0009%). This variant has not been reported in the literature in individuals affected with BAG3-related conditions. ClinVar contains an entry for this variant (Variation ID: 298960). Invitae Evidence Modeling of protein sequence and biophysical properties (such as structural, functional, and spatial information, amino acid conservation, physicochemical variation, residue mobility, and thermodynamic stability) indicates that this missense variant is not expected to disrupt BAG3 protein function with a negative predictive value of 80%. In summary, the available evidence is currently insufficient to determine the role of this variant in disease. Therefore, it has been classified as a Variant of Uncertain Significance.